The following is an entry in ClinVar:

ClinVar aggregate classification (germline): Uncertain significance (1 of 4 stars; one submission).

Submission:

GeneDx
Classification: Uncertain significance. Last evaluated: 2018-07-20. Review status: criteria provided, single submitter. Criteria: GeneDx Variant Classification (06012015). Collection method: clinical testing. Allele origin: germline. Affected: yes.
Comment: The K610T variant in the C3 gene has not been reported previously as a pathogenic variant, nor as a benign variant, to our knowledge. The K610T variant was not observed in approximately 6500 individuals of European and African American ancestry in the NHLBI Exome Sequencing Project, indicating it is not a common benign variant in these populations. The K610T variant is a semi-conservative amino acid substitution, which may impact secondary protein structure as these residues differ in some properties. This substitution occurs at a position where amino acids with similar properties to Lysine are tolerated across species. In silico analysis is inconsistent in its predictions as to whether or not the variant is damaging to the protein structure/function. We interpret K610T as a variant of uncertain significance.

NM_000064.4(C3):c.1829A>C (p.Lys610Thr)

Gene: C3 (complement C3; minus strand). Cytogenetic location: 19p13.3.
Variant type: single nucleotide variant.
Coding change: c.1829A>C on transcript NM_000064.4 (MANE Select); coding-DNA position 1829, A replaced by C.
Protein change: p.Lys610Thr; replaces lysine 610 with threonine.
Molecular consequence: missense variant.
Genome position (GRCh38, 1-based): chr19:6,709,700, T>G on the plus strand (A>C on the coding strand, the complement: C3 is on the minus strand). VCF-style: chr19-6709700-T-G. GRCh37 (hg19) VCF-style: chr19-6709711-T-G.
Other names: short protein forms K610T.
Identifiers: ClinVar variation 388125 (VCV000388125.2), dbSNP rs1057523008, ClinGen allele CA16609031.